The following is an entry in ClinVar:

NM_000235.4(LIPA):c.473T>G (p.Phe158Cys)

Gene: LIPA (lipase A, lysosomal acid type; minus strand). Cytogenetic location: 10q23.31.
Variant type: single nucleotide variant.
Coding change: c.473T>G on transcript NM_000235.4 (MANE Select); coding-DNA position 473, T replaced by G.
Protein change: p.Phe158Cys; replaces phenylalanine 158 with cysteine.
Molecular consequence: missense variant.
Genome position (GRCh38, 1-based): chr10:89,226,960, A>C on the plus strand (T>G on the coding strand, the complement: LIPA is on the minus strand). VCF-style: chr10-89226960-A-C. GRCh37 (hg19) VCF-style: chr10-90986717-A-C.
Other names: c.473T>G, p.Phe158Cys (NM_001127605.3); c.125T>G, p.Phe42Cys (NM_001288979.2); short protein forms F42C, F158C.
Identifiers: ClinVar variation 3290804 (VCV003290804.3).

ClinVar aggregate classification (germline): Uncertain significance. Review status: criteria provided, multiple submitters, no conflicts (2 of 4 stars). 2 submissions from 2 submitters: Uncertain significance (2). Last evaluated 2024-04-25.

Conditions:
Wolman disease (WOLD). Also called: LYSOSOMAL ACID LIPASE DEFICIENCY, ACUTE INFANTILE; LYSOSOMAL ACID LIPASE DEFICIENCY, COMPLETE; LIPA DEFICIENCY, COMPLETE; LAL DEFICIENCY, COMPLETE; CHOLESTEROL ESTER HYDROLASE DEFICIENCY, COMPLETE; Acid cholesteryl ester hydrolase deficiency, Wolman type. Identifiers: Orphanet 75233, MedGen C0043208, MONDO:0019148, OMIM 620151.
Cardiovascular phenotype. Identifiers: MedGen CN230736.

gnomAD v4.1: 2 of 1,613,446 alleles (0.00012%); highest among the groups gnomAD compares: African/African-American, 0.0027%; no homozygotes.

Submissions (2):

Labcorp Genetics (formerly Invitae), Labcorp
Classification: Uncertain significance for Wolman disease. Last evaluated: 2024-04-25. Review status: criteria provided, single submitter. Criteria: Invitae Variant Classification Sherloc (09022015). Collection method: clinical testing. Allele origin: germline.
Comment: This sequence change replaces phenylalanine, which is neutral and non-polar, with cysteine, which is neutral and slightly polar, at codon 158 of the LIPA protein (p.Phe158Cys). This variant is present in population databases (rs772664616, gnomAD 0.008%). This variant has not been reported in the literature in individuals affected with LIPA-related conditions. Advanced modeling of protein sequence and biophysical properties (such as structural, functional, and spatial information, amino acid conservation, physicochemical variation, residue mobility, and thermodynamic stability) performed at Invitae indicates that this missense variant is expected to disrupt LIPA protein function with a positive predictive value of 80%. In summary, the available evidence is currently insufficient to determine the role of this variant in disease. Therefore, it has been classified as a Variant of Uncertain Significance.

Ambry Genetics
Classification: Uncertain significance for Cardiovascular phenotype. Last evaluated: 2024-03-19. Review status: criteria provided, single submitter. Criteria: Ambry Variant Classification Scheme 2023. Collection method: clinical testing. Allele origin: germline.
Comment: The p.F158C variant (also known as c.473T>G), located in coding exon 4 of the LIPA gene, results from a T to G substitution at nucleotide position 473. The phenylalanine at codon 158 is replaced by cysteine, an amino acid with highly dissimilar properties. This amino acid position is conserved. In addition, the in silico prediction for this alteration is inconclusive. Based on the available evidence, the clinical significance of this alteration remains unclear.